The following is an entry in ClinVar:

NM_001256071.3(RNF213):c.15026G>A (p.Ser5009Asn)

Genes: RNF213 (ring finger protein 213; plus strand), RNF213-AS1 (RNF213 antisense RNA 1; minus strand). Cytogenetic location: 17q25.3.
Variant type: single nucleotide variant.
Coding change: c.15026G>A on transcript NM_001256071.3 (MANE Select); coding-DNA position 15026, G replaced by A.
Protein change: p.Ser5009Asn; replaces serine 5009 with asparagine.
Molecular consequence: missense variant.
Genome position (GRCh38, 1-based): chr17:80,389,198, G>A. VCF-style: chr17-80389198-G-A. GRCh37 (hg19) VCF-style: chr17-78362998-G-A.
Other names: c.15173G>A, p.Ser5058Asn (NM_001410195.1, NM_020914.5); short protein forms S5009N, S5058N.
Identifiers: ClinVar variation 3903131 (VCV003903131.1).

ClinVar aggregate classification (germline): Uncertain significance (1 of 4 stars; one submission).

gnomAD v4.1: 6 of 1,614,036 alleles (0.00037%); highest among the groups gnomAD compares: African/African-American, 0.008%; no homozygotes.

Submission:

GeneDx
Classification: Uncertain significance. Last evaluated: 2024-12-13. Review status: criteria provided, single submitter. Criteria: GeneDx Variant Classification Process June 2021. Collection method: clinical testing. Allele origin: germline. Affected: yes.
Comment: In silico analysis indicates that this missense variant does not alter protein structure/function; Has not been previously published as pathogenic or benign to our knowledge